The following is an entry in ClinVar:

NM_000179.3(MSH6):c.1926_1930del (p.Tyr642_Arg644delinsTer)

Gene: MSH6 (mutS homolog 6; plus strand). Cytogenetic location: 2p16.3.
Variant type: Deletion.
Coding change: c.1926_1930del on transcript NM_000179.3 (MANE Select); coding-DNA positions 1926 to 1930, 5 bases deleted (TTTTA; older notation c.1926_1930delTTTTA).
Protein change: p.Tyr642_Arg644delinsTer.
Molecular consequence: nonsense.
Genome position (GRCh38, 1-based): chr2:47,799,909-47,799,913, TTTTA deleted; deleting any 5 consecutive bases within chr2:47,799,907-47,799,913 gives the same sequence; the c. name uses the placement nearest the transcript's 3' end. VCF-style (leftmost placement, unchanged base first): chr2-47799906-ATATTT-A. GRCh37 (hg19) VCF-style: chr2-48027045-ATATTT-A.
Other names: c.1536_1540del, p.Tyr512_Arg514delinsTer (NM_001281492.2); c.1020_1024del, p.Tyr340_Arg342delinsTer (NM_001281493.2, NM_001281494.2).
Identifiers: ClinVar variation 1071805 (VCV001071805.8), dbSNP rs2104376613, ClinGen allele CA2499216109.

ClinVar aggregate classification (germline): Pathogenic. Review status: criteria provided, multiple submitters, no conflicts (2 of 4 stars). 2 submissions from 2 submitters: Pathogenic (2). Last evaluated 2023-08-16.

Conditions:
Lynch syndrome 5 (LYNCH5). Also called: Colorectal cancer, hereditary nonpolyposis, type 5; Hereditary non-polyposis colorectal cancer, type 5. Identifiers: Orphanet 144, MedGen C1833477, MONDO:0013710, OMIM 614350. Disease mechanism: loss of function.
Hereditary nonpolyposis colorectal neoplasms. Identifiers: MedGen C0009405, MeSH D003123.

Submissions (2):

Myriad Genetics, Inc.
Classification: Pathogenic for Lynch syndrome 5. Last evaluated: 2023-08-16. Review status: criteria provided, single submitter. Criteria: Myriad Autosomal Dominant, Autosomal Recessive and X-Linked Classification Criteria (2023). Collection method: clinical testing. Allele origin: unknown.
Comment: This variant is considered pathogenic. This variant creates a termination codon and is predicted to result in premature protein truncation.

Labcorp Genetics (formerly Invitae), Labcorp
Classification: Pathogenic for Hereditary nonpolyposis colorectal neoplasms. Last evaluated: 2021-04-30. Review status: criteria provided, single submitter. Criteria: Invitae Variant Classification Sherloc (09022015). Collection method: clinical testing. Allele origin: germline.
Comment: This variant is not present in population databases (ExAC no frequency). This sequence change creates a premature translational stop signal (p.Tyr642*) in the MSH6 gene. It is expected to result in an absent or disrupted protein product. Loss-of-function variants in MSH6 are known to be pathogenic (PMID: 18269114, 24362816). This variant has not been reported in the literature in individuals with MSH6-related conditions. For these reasons, this variant has been classified as Pathogenic.

Literature cited by the submitters: PubMed 18269114 (cited by Labcorp Genetics (formerly Invitae), Labcorp); PubMed 24362816 (cited by Labcorp Genetics (formerly Invitae), Labcorp).